The following is an entry in ClinVar:

NM_001199397.3(NEK1):c.3584-10T>A

Gene: NEK1 (NIMA related kinase 1; minus strand). Cytogenetic location: 4q33.
Variant type: single nucleotide variant.
Coding change: c.3584-10T>A on transcript NM_001199397.3 (MANE Select); 10 bases into the intron before coding-DNA position 3584, T replaced by A.
Molecular consequence: intron variant.
Genome position (GRCh38, 1-based): chr4:169,400,661, A>T on the plus strand (T>A on the coding strand, the complement: NEK1 is on the minus strand). VCF-style: chr4-169400661-A-T. GRCh37 (hg19) VCF-style: chr4-170321812-A-T.
Other names: c.3101-10T>A (NM_001374421.1); c.3449-10T>A (NM_001374420.1); c.3293-10T>A (NM_001199399.3); c.3452-10T>A (NM_001199398.3); c.3500-10T>A (NM_001374419.1, NM_012224.4); c.3368-10T>A (NM_001199400.3); c.3584-10T>A (NM_001374418.1).
Identifiers: ClinVar variation 3338116 (VCV003338116.2).

ClinVar aggregate classification (germline): Pathogenic (1 of 4 stars; one submission).

Conditions:
Short-rib thoracic dysplasia 6 with or without polydactyly (SRTD6). Also called: Majewski Syndrome; SHORT RIB-POLYDACTYLY SYNDROME, TYPE IIA; POLYDACTYLY WITH NEONATAL CHONDRODYSTROPHY, TYPE II; SHORT-RIB THORACIC DYSPLASIA 6 WITH POLYDACTYLY; SHORT-RIB THORACIC DYSPLASIA 6 WITHOUT POLYDACTYLY. Identifiers: MedGen C0024507, MONDO:0009894, OMIM 263520.

gnomAD v4.1: 1 of 1,551,586 alleles (0.000064%); highest among the groups gnomAD compares: Non-Finnish European, 0.000087%; no homozygotes.

Submission:

MedGen Diagnostic Laboratory, MedGen Medical Centre
Classification: Pathogenic for Short-rib thoracic dysplasia 6 with or without polydactyly. Last evaluated: 2024-03-15. Review status: criteria provided, single submitter. Criteria: ACMG Guidelines, 2015. Collection method: clinical testing, in vitro. Allele origin: biparental, not applicable. Affected: yes. Observed: 2 variant alleles. Functional consequence: sequence_variant_affecting_splicing.
Comment: According to ACMG-AMP guidelines, the variant fulfilled the PM2, PM3 and PP3 ACMG criteria. Using in vitro minigene splice assay, we confirmed the causality of c.3584-10T>A mutation resulting in frameshift mutation leading to premature termination of translation what determines PVS1.